The following is an entry in ClinVar:

ClinVar aggregate classification (germline): Benign. Review status: criteria provided, multiple submitters, no conflicts (2 of 4 stars). 3 submissions from 3 submitters: Benign (3). Last evaluated 2018-06-18.

Allele frequency attached by ClinVar (database versions not stated): gnomAD exomes 0.00492; gnomAD 0.02383 and 0.02537; 1000 Genomes Project 30x 0.02920; 1000 Genomes Project 0.02616; TOPMed 0.02575; ESP Exome Variant Server 0.02716; ExAC 0.01034.
gnomAD v4.1: 7,039 of 1,550,504 alleles (0.45%); highest among the groups gnomAD compares: African/African-American, 8.3%; 258 homozygotes.

Submissions (3):

GeneDx
Classification: Benign. Last evaluated: 2018-06-18. Review status: criteria provided, single submitter. Criteria: GeneDx Variant Classification (06012015). Collection method: clinical testing. Allele origin: germline. Affected: yes.
Comment: This variant is considered likely benign or benign based on one or more of the following criteria: it is a conservative change, it occurs at a poorly conserved position in the protein, it is predicted to be benign by multiple in silico algorithms, and/or has population frequency not consistent with disease.

Laboratory for Molecular Medicine, Mass General Brigham Personalized Medicine
Classification: Benign. Last evaluated: 2014-11-24. Review status: criteria provided, single submitter. Criteria: LMM Criteria. Collection method: clinical testing. Allele origin: germline. Observed: 10 variant alleles.
Comment: 518+12G>A in intron 4A of PDLIM3: This variant is not expected to have clinical significance because it is not located within the conserved splice consensus seq uence. It has been identified in 8.7% (121/1384) of African American chromosomes from a broad population by the NHLBI Exome Sequencing Project (dbSNP rs28447263).

Breakthrough Genomics
Classification: Benign. Review status: criteria provided, single submitter. Criteria: ACMG Guidelines, 2015. Collection method: not provided. Allele origin: germline. Inheritance: Unknown mechanism. Affected: yes.

NM_014476.6(PDLIM3):c.331-354G>A

Genes: PDLIM3 (PDZ and LIM domain 3; minus strand), LOC126807246 (BRD4-independent group 4 enhancer GRCh37_chr4:186434842-186436041; plus strand). Cytogenetic location: 4q35.1.
Variant type: single nucleotide variant.
Coding change: c.331-354G>A on transcript NM_014476.6 (MANE Select); 354 bases into the intron before coding-DNA position 331, G replaced by A.
Molecular consequence: intron variant.
Genome position (GRCh38, 1-based): chr4:185,514,691, C>T on the plus strand (G>A on the coding strand, the complement: PDLIM3 is on the minus strand). VCF-style: chr4-185514691-C-T. GRCh37 (hg19) VCF-style: chr4-186435845-C-T.
Other names: c.94-354G>A (NM_001257963.2); c.331-354G>A (NM_001257962.2); c.518+12G>A (NM_001114107.5).
Identifiers: ClinVar variation 227012 (VCV000227012.6), dbSNP rs28447263, ClinGen allele CA3159824.
Genomic context (GRCh38, chr4:185,514,691, plus strand): 5'-ACTTTTGAAAAGAAAAGAAACCATGCTATCACTGTTAGGTACACTGTGGCCAGAACAGAG[C>T]CGGATACTTACTTTTGAGGTGAGCTAGGAATGAGACCCCGCAGCTGTCCGTGAAGCGCAT-3'